The following is an entry in ClinVar:

NM_004329.3(BMPR1A):c.1132A>G (p.Ile378Val)

Gene: BMPR1A (bone morphogenetic protein receptor type 1A; plus strand). Cytogenetic location: 10q23.2.
Variant type: single nucleotide variant.
Coding change: c.1132A>G on transcript NM_004329.3 (MANE Select); coding-DNA position 1132, A replaced by G.
Protein change: p.Ile378Val; replaces isoleucine 378 with valine.
Molecular consequence: missense variant.
Genome position (GRCh38, 1-based): chr10:86,919,435, A>G. VCF-style: chr10-86919435-A-G. GRCh37 (hg19) VCF-style: chr10-88679192-A-G.
Other names: c.1207A>G, p.Ile403Val (NM_001406559.1); c.1180A>G, p.Ile394Val (NM_001406560.1); c.1132A>G, p.Ile378Val (NM_001406561.1, NM_001406562.1, NM_001406563.1 and 19 more transcripts); c.1126A>G, p.Ile376Val (NM_001406583.1); c.1048A>G, p.Ile350Val (NM_001406584.1, NM_001406585.1, NM_001406586.1 and 2 more transcripts); c.790A>G, p.Ile264Val (NM_001406589.1); short protein forms I376V, I264V, I378V, I394V, I350V, I403V.
Identifiers: ClinVar variation 2057977 (VCV002057977.5), dbSNP rs2539623358, ClinGen allele CA377461003.

ClinVar aggregate classification (germline): Uncertain significance. Review status: criteria provided, multiple submitters, no conflicts (2 of 4 stars). 2 submissions from 2 submitters: Uncertain significance (2). Last evaluated 2026-07-06.

Conditions:
Juvenile polyposis syndrome (JPS). Identifiers: Orphanet 2929, MedGen C0345893, MONDO:0017380, OMIM 174900.
Hereditary cancer-predisposing syndrome. Also called: Tumor predisposition; Hereditary Cancer Syndrome; Hereditary neoplastic syndrome; Neoplastic Syndromes, Hereditary. Identifiers: Orphanet 140162, MedGen C0027672, MeSH D009386, MONDO:0015356.

Submissions (2):

Ambry Genetics
Classification: Uncertain significance for Hereditary cancer-predisposing syndrome. Last evaluated: 2026-07-06. Review status: criteria provided, single submitter. Criteria: Ambry Variant Classification Scheme 2023. Collection method: clinical testing. Allele origin: germline.
Comment: The p.I378V variant (also known as c.1132A>G), located in coding exon 8 of the BMPR1A gene, results from an A to G substitution at nucleotide position 1132. The isoleucine at codon 378 is replaced by valine, an amino acid with highly similar properties. This amino acid position is conserved. In addition, the in silico prediction for this alteration is inconclusive. Based on the available evidence, the clinical significance of this variant remains unclear.

Labcorp Genetics (formerly Invitae), Labcorp
Classification: Uncertain significance for Juvenile polyposis syndrome. Last evaluated: 2025-07-31. Review status: criteria provided, single submitter. Criteria: Invitae Variant Classification Sherloc (09022015). Collection method: clinical testing. Allele origin: germline.
Comment: This sequence change replaces isoleucine, which is neutral and non-polar, with valine, which is neutral and non-polar, at codon 378 of the BMPR1A protein (p.Ile378Val). This variant is not present in population databases (gnomAD no frequency). This variant has not been reported in the literature in individuals affected with BMPR1A-related conditions. ClinVar contains an entry for this variant (Variation ID: 2057977). Invitae Evidence Modeling of protein sequence and biophysical properties (such as structural, functional, and spatial information, amino acid conservation, physicochemical variation, residue mobility, and thermodynamic stability) indicates that this missense variant is not expected to disrupt BMPR1A protein function with a negative predictive value of 80%. In summary, the available evidence is currently insufficient to determine the role of this variant in disease. Therefore, it has been classified as a Variant of Uncertain Significance.